The following is an entry in ClinVar:

ClinVar aggregate classification (germline): Conflicting classifications of pathogenicity. Review status: criteria provided, conflicting classifications (1 of 4 stars). 2 submissions from 2 submitters: Uncertain significance (1); Likely benign (1). Last evaluated 2026-06-24.

Conditions:
CDH23-related disorder. Also called: CDH23-related condition; CDH23-related disorders.

Allele frequency attached by ClinVar (database versions not stated): gnomAD exomes 0.00002 and 0.00003; TOPMed 0.00002; ExAC 0.00003; gnomAD 0.00003 and 0.00004.
gnomAD v4.1: 39 of 1,612,382 alleles (0.0024%); highest among the groups gnomAD compares: Admixed American, 0.012%; no homozygotes.

Submissions (2):

PreventionGenetics, part of Exact Sciences
Classification: Likely benign for CDH23-related condition. Last evaluated: 2026-06-24. Review status: criteria provided, single submitter. Criteria: ACMG Guidelines, 2015. Collection method: clinical testing. Allele origin: germline.
Comment: This variant is classified as likely benign based on ACMG/AMP sequence variant interpretation guidelines (Richards et al. 2015 PMID: 25741868, with internal and published modifications).

Labcorp Genetics (formerly Invitae), Labcorp
Classification: Uncertain significance. Last evaluated: 2022-10-17. Review status: criteria provided, single submitter. Criteria: Invitae Variant Classification Sherloc (09022015). Collection method: clinical testing. Allele origin: germline.
Comment: This sequence change affects codon 2016 of the CDH23 mRNA. It is a 'silent' change, meaning that it does not change the encoded amino acid sequence of the CDH23 protein. It affects a nucleotide within the consensus splice site. This variant is present in population databases (rs761730855, gnomAD 0.01%). This variant has not been reported in the literature in individuals affected with CDH23-related conditions. ClinVar contains an entry for this variant (Variation ID: 1419189). Algorithms developed to predict the effect of sequence changes on RNA splicing suggest that this variant is not likely to affect RNA splicing. In summary, the available evidence is currently insufficient to determine the role of this variant in disease. Therefore, it has been classified as a Variant of Uncertain Significance.

NM_022124.6(CDH23):c.6048C>T (p.Thr2016=)

Gene: CDH23 (cadherin related 23; plus strand). Cytogenetic location: 10q22.1.
Variant type: single nucleotide variant.
Coding change: c.6048C>T on transcript NM_022124.6 (MANE Select); coding-DNA position 6048, C replaced by T.
Protein change: p.Thr2016=; no amino-acid change (threonine 2016 retained).
Molecular consequence: synonymous variant.
Genome position (GRCh38, 1-based): chr10:71,790,412, C>T. VCF-style: chr10-71790412-C-T. GRCh37 (hg19) VCF-style: chr10-73550169-C-T.
Other names: c.6048C>T (NM_022124.5).
Identifiers: ClinVar variation 1419189 (VCV001419189.6), dbSNP rs761730855, ClinGen allele CA5545969.